The following is an entry in ClinVar:

ClinVar aggregate classification (germline): Uncertain significance (1 of 4 stars; one submission).

Submission:

GeneDx
Classification: Uncertain significance. Last evaluated: 2024-09-22. Review status: criteria provided, single submitter. Criteria: GeneDx Variant Classification Process June 2021. Collection method: clinical testing. Allele origin: germline. Affected: yes.
Comment: Not observed at significant frequency in large population cohorts (gnomAD); In silico analysis supports that this missense variant has a deleterious effect on protein structure/function; Has not been previously published as pathogenic or benign to our knowledge

NM_001128840.3(CACNA1D):c.1498A>G (p.Lys500Glu)

Gene: CACNA1D (calcium voltage-gated channel subunit alpha1 D; plus strand). Cytogenetic location: 3p21.1.
Variant type: single nucleotide variant.
Coding change: c.1498A>G on transcript NM_001128840.3 (MANE Select); coding-DNA position 1498, A replaced by G.
Protein change: p.Lys500Glu; replaces lysine 500 with glutamic acid.
Molecular consequence: missense variant.
Genome position (GRCh38, 1-based): chr3:53,719,774, A>G. VCF-style: chr3-53719774-A-G. GRCh37 (hg19) VCF-style: chr3-53753801-A-G.
Other names: c.1558A>G, p.Lys520Glu (NM_000720.4); c.1498A>G, p.Lys500Glu (NM_001128839.3); short protein forms K500E, K520E.
Identifiers: ClinVar variation 1304210 (VCV001304210.3), dbSNP rs2108691735, ClinGen allele CA353236270.